The following is an entry in ClinVar:

NM_001253697.2(ERBIN):c.2980T>G (p.Ser994Ala)

Gene: ERBIN (erbb2 interacting protein; plus strand). Cytogenetic location: 5q12.3.
Variant type: single nucleotide variant.
Coding change: c.2980T>G on transcript NM_001253697.2 (MANE Select); coding-DNA position 2980, T replaced by G.
Protein change: p.Ser994Ala; replaces serine 994 with alanine.
Molecular consequence: missense variant.
Genome position (GRCh38, 1-based): chr5:66,054,298, T>G. VCF-style: chr5-66054298-T-G. GRCh37 (hg19) VCF-style: chr5-65350126-T-G.
Other names: c.2980T>G, p.Ser994Ala (NM_001006600.3, NM_001253698.2, NM_001253699.2 and 1 more transcripts); c.2968T>G, p.Ser990Ala (NM_001253701.2); short protein forms S990A, S994A.
Identifiers: ClinVar variation 1434786 (VCV001434786.6), dbSNP rs1404512954, ClinGen allele CA359868359.

ClinVar aggregate classification (germline): Uncertain significance (1 of 4 stars; one submission).

Allele frequency attached by ClinVar (database versions not stated): gnomAD exomes below 0.00001 and 0.00005; TOPMed below 0.00001; gnomAD 0.00001.
gnomAD v4.1: 70 of 1,614,154 alleles (0.0043%); highest among the groups gnomAD compares: Non-Finnish European, 0.0058%; no homozygotes.

Submission:

Labcorp Genetics (formerly Invitae), Labcorp
Classification: Uncertain significance. Last evaluated: 2024-01-12. Review status: criteria provided, single submitter. Criteria: Invitae Variant Classification Sherloc (09022015). Collection method: clinical testing. Allele origin: germline.
Comment: This sequence change replaces serine, which is neutral and polar, with alanine, which is neutral and non-polar, at codon 994 of the ERBIN protein (p.Ser994Ala). This variant is present in population databases (no rsID available, gnomAD 0.0009%). This variant has not been reported in the literature in individuals affected with ERBIN-related conditions. ClinVar contains an entry for this variant (Variation ID: 1434786). Algorithms developed to predict the effect of missense changes on protein structure and function output the following: SIFT: "Not Available"; PolyPhen-2: "Benign"; Align-GVGD: "Not Available". The alanine amino acid residue is found in multiple mammalian species, which suggests that this missense change does not adversely affect protein function. In summary, the available evidence is currently insufficient to determine the role of this variant in disease. Therefore, it has been classified as a Variant of Uncertain Significance.